The following is an entry in ClinVar:

ClinVar aggregate classification (germline): Uncertain significance (1 of 4 stars; one submission).

Conditions:
Left ventricular noncompaction 8 (LVNC8). Identifiers: Orphanet 154, Orphanet 54260, MedGen C3809288, MONDO:0014152, OMIM 615373.

Allele frequency attached by ClinVar (database versions not stated): gnomAD exomes 0.00001; ExAC 0.00002.
gnomAD v4.1: 5 of 1,613,984 alleles (0.00031%); highest among the groups gnomAD compares: South Asian, 0.0033%; no homozygotes.

Submission:

Labcorp Genetics (formerly Invitae), Labcorp
Classification: Uncertain significance for Left ventricular noncompaction 8. Last evaluated: 2018-09-24. Review status: criteria provided, single submitter. Criteria: Invitae Variant Classification Sherloc (09022015). Collection method: clinical testing. Allele origin: germline.
Comment: This sequence change replaces alanine with threonine at codon 1220 of the PRDM16 protein (p.Ala1220Thr). The alanine residue is weakly conserved and there is a small physicochemical difference between alanine and threonine. This variant is present in population databases (rs764414998, ExAC 0.02%). This variant has not been reported in the literature in individuals with PRDM16-related disease. Algorithms developed to predict the effect of missense changes on protein structure and function output the following: SIFT: "Tolerated"; PolyPhen-2: "Benign"; Align-GVGD: "Class C0". The threonine amino acid residue is found in multiple mammalian species, suggesting that this missense change does not adversely affect protein function. These predictions have not been confirmed by published functional studies and their clinical significance is uncertain. In summary, the available evidence is currently insufficient to determine the role of this variant in disease. Therefore, it has been classified as a Variant of Uncertain Significance.

NM_022114.4(PRDM16):c.3658G>A (p.Ala1220Thr)

Gene: PRDM16 (PR/SET domain 16; plus strand). Cytogenetic location: 1p36.32.
Variant type: single nucleotide variant.
Coding change: c.3658G>A on transcript NM_022114.4 (MANE Select); coding-DNA position 3658, G replaced by A.
Protein change: p.Ala1220Thr; replaces alanine 1220 with threonine.
Molecular consequence: missense variant.
Genome position (GRCh38, 1-based): chr1:3,432,102, G>A. VCF-style: chr1-3432102-G-A. GRCh37 (hg19) VCF-style: chr1-3348666-G-A.
Other names: c.3658G>A, p.Ala1220Thr (NM_199454.3); short protein forms A1220T.
Identifiers: ClinVar variation 647017 (VCV000647017.8), dbSNP rs764414998, ClinGen allele CA544926.
Genomic context (GRCh38, chr1:3,432,102, plus strand): 5'-AGAGCAGCTGAGGAAGCATTTGAAGTTAAAGATGTGCTTAATTCCACCTTAGATTCTGAG[G>A]CTTTAAAACATACACTGTGCAGGCAGGCTAAGAACCAGGTAGGTACCCGCCAGAGCCCCT-3'
Protein context (NP_071397.3, residues 1210-1230): DVLNSTLDSE[Ala1220Thr]LKHTLCRQAK